The following is an entry in ClinVar:

ClinVar aggregate classification (germline): Uncertain significance (1 of 4 stars; one submission).

gnomAD v4.1: 2 of 1,613,278 alleles (0.00012%); highest among the groups gnomAD compares: Non-Finnish European, 0.000085%; no homozygotes.

Submission:

CeGaT Center for Human Genetics Tuebingen
Classification: Uncertain significance. Last evaluated: 2024-07-01. Review status: criteria provided, single submitter. Criteria: CeGaT Center For Human Genetics Tuebingen Variant Classification Criteria Version 2. Collection method: clinical testing. Allele origin: germline. Affected: yes. Observed: 1 variant allele.
Comment: GRM1: PM2, BP4

NM_001278064.2(GRM1):c.3200C>T (p.Pro1067Leu)

Gene: GRM1 (glutamate metabotropic receptor 1; plus strand). Cytogenetic location: 6q24.3.
Variant type: single nucleotide variant.
Coding change: c.3200C>T on transcript NM_001278064.2 (MANE Select); coding-DNA position 3200, C replaced by T.
Protein change: p.Pro1067Leu; replaces proline 1067 with leucine.
Molecular consequence: missense variant. On other transcripts: 3 prime UTR variant (3).
Genome position (GRCh38, 1-based): chr6:146,434,411, C>T. VCF-style: chr6-146434411-C-T. GRCh37 (hg19) VCF-style: chr6-146755547-C-T.
Other names: c.*564C>T (NM_001278065.2); c.*529C>T (NM_001278066.1); c.*438C>T (NM_001278067.1); short protein forms P1067L.
Identifiers: ClinVar variation 3257493 (VCV003257493.17).